The following is an entry in ClinVar:

NM_032790.3(ORAI1):c.9G>C

Genes: ORAI1 (ORAI calcium release-activated calcium modulator 1; plus strand), LOC130008987 (ATAC-STARR-seq lymphoblastoid silent region 4981; plus strand). Cytogenetic location: 12q24.31.
Variant type: single nucleotide variant.
Coding change: c.9G>C on transcript NM_032790.3; coding-DNA position 9, G replaced by C.
Molecular consequence: non-coding transcript variant (on NR_186857.1).
Genome position (GRCh38, 1-based): chr12:121,626,751, G>C. VCF-style: chr12-121626751-G-C. GRCh37 (hg19) VCF-style: chr12-122064656-G-C.
Identifiers: ClinVar variation 3372395 (VCV003372395.1).

ClinVar aggregate classification (germline): Uncertain significance (1 of 4 stars; one submission).

Submission:

GeneDx
Classification: Uncertain significance. Last evaluated: 2024-04-15. Review status: criteria provided, single submitter. Criteria: GeneDx Variant Classification Process June 2021. Collection method: clinical testing. Allele origin: germline. Affected: yes.
Comment: Not observed at significant frequency in large population cohorts (gnomAD); In silico analysis indicates that this variant does not alter splicing; Has not been previously published as pathogenic or benign to our knowledge